The following is an entry in ClinVar:

ClinVar aggregate classification (germline): Likely benign (1 of 4 stars; one submission).

Allele frequency attached by ClinVar (database versions not stated): 1000 Genomes Project 0.00020; ExAC 0.00025; gnomAD 0.00025; TOPMed 0.00026; 1000 Genomes Project 30x 0.00031; ESP Exome Variant Server 0.00031.
gnomAD v4.1: 721 of 1,613,590 alleles (0.045%); highest among the groups gnomAD compares: Non-Finnish European, 0.058%; 1 homozygote.

Submission:

CeGaT Center for Human Genetics Tuebingen
Classification: Likely benign. Last evaluated: 2022-09-01. Review status: criteria provided, single submitter. Criteria: CeGaT Center For Human Genetics Tuebingen Variant Classification Criteria Version 2. Collection method: clinical testing. Allele origin: germline. Affected: yes. Observed: 1 variant allele.
Comment: GOLGA3: BP4

NM_001389683.1(GOLGA3):c.2862G>A (p.Glu954=)

Gene: GOLGA3 (golgin A3; minus strand). Cytogenetic location: 12q24.33.
Variant type: single nucleotide variant.
Coding change: c.2862G>A on transcript NM_001389683.1 (MANE Select); coding-DNA position 2862, G replaced by A.
Protein change: p.Glu954=; no amino-acid change (glutamic acid 954 retained).
Molecular consequence: synonymous variant.
Genome position (GRCh38, 1-based): chr12:132,786,737, C>T on the plus strand (G>A on the coding strand, the complement: GOLGA3 is on the minus strand). VCF-style: chr12-132786737-C-T. GRCh37 (hg19) VCF-style: chr12-133363323-C-T.
Other names: c.2862G>A, p.Glu954= (NM_001172557.2, NM_001389684.1, NM_001389685.1 and 1 more transcripts); c.2742G>A, p.Glu914= (NM_001389686.1, NM_001389687.1, NM_001389688.1); c.2589G>A, p.Glu863= (NM_001389689.1).
Identifiers: ClinVar variation 3025539 (VCV003025539.22), dbSNP rs145969238, ClinGen allele CA6896754.